The following is an entry in ClinVar:

NM_001943.5(DSG2):c.1062C>T (p.Val354=)

Gene: DSG2 (desmoglein 2; plus strand). Cytogenetic location: 18q12.1.
Variant type: single nucleotide variant.
Coding change: c.1062C>T on transcript NM_001943.5 (MANE Select); coding-DNA position 1062, C replaced by T.
Protein change: p.Val354=; no amino-acid change (valine 354 retained).
Molecular consequence: synonymous variant.
Genome position (GRCh38, 1-based): chr18:31,531,034, C>T. VCF-style: chr18-31531034-C-T. GRCh37 (hg19) VCF-style: chr18-29110997-C-T.
Other names: c.1062C>T (LRG_397t1).
Identifiers: ClinVar variation 519376 (VCV000519376.16), dbSNP rs369233023, ClinGen allele CA041300.
Genomic context (GRCh38, chr18:31,531,034, plus strand): 5'-TTTTCCCTTTCAGGAAGTAGATTATGAAGAAATGAAGAATCTTGACTTCAGTGTTATTGT[C>T]GCTAATAAAGCAGCTTTTCACAAGTCGATTAGGAGTAAATACAAGCCTACACCCATTCCC-3'
Protein context (NP_001934.2, residues 344-364): EMKNLDFSVI[Val354=]ANKAAFHKSI

ClinVar aggregate classification (germline): Likely benign. Review status: criteria provided, multiple submitters, no conflicts (2 of 4 stars). 4 submissions from 4 submitters: Likely benign (4). Last evaluated 2025-06-30.

Conditions:
Cardiovascular phenotype. Identifiers: MedGen CN230736.
Arrhythmogenic right ventricular cardiomyopathy (ARVD). Also called: Arrhythmogenic cardiomyopathy; Arrhythmogenic Right Ventricular Cardiomyopathy (ARVC); Cardiomyopathy, ARVC; Arrhythmogenic right ventricular dysplasia. Identifiers: Orphanet 247, MedGen C0349788, MeSH D019571, MONDO:0016587. Disease mechanism: loss of function. Inheritance: Various modes of inheritance.
Cardiomyopathy (CMYO). Also called: Cardiomyopathies. Identifiers: Orphanet 167848, MedGen C0878544, MONDO:0004994, HP:0001638. Inheritance: Various modes of inheritance.
Arrhythmogenic right ventricular dysplasia 10. Also called: Arrhythmogenic right ventricular dysplasia/cardiomyopathy, type 10; Arrhythmogenic Right Ventricular Dysplasia/Cardiomyopathy10; ARRHYTHMOGENIC RIGHT VENTRICULAR DYSPLASIA, FAMILIAL, 10. Identifiers: MedGen C1857777, MONDO:0012434, OMIM 610193.

Allele frequency attached by ClinVar (database versions not stated): ESP Exome Variant Server 0.00008; gnomAD exomes below 0.00001; TOPMed 0.00001.
gnomAD v4.1: 5 of 1,613,974 alleles (0.00031%); highest among the groups gnomAD compares: South Asian, 0.0011%; no homozygotes.

Submissions (4):

Labcorp Genetics (formerly Invitae), Labcorp
Classification: Likely benign for Arrhythmogenic right ventricular dysplasia 10. Last evaluated: 2025-06-30. Review status: criteria provided, single submitter. Criteria: Invitae Variant Classification Sherloc (09022015). Collection method: clinical testing. Allele origin: germline.

All of Us Research Program, National Institutes of Health
Classification: Likely benign for Arrhythmogenic right ventricular cardiomyopathy. Last evaluated: 2023-12-01. Review status: criteria provided, single submitter. Criteria: ACMG Guidelines, 2015. Collection method: clinical testing. Allele origin: germline. Inheritance: Autosomal dominant inheritance. Observed: 2 variant alleles, 2 heterozygotes.
Comment: This study involves interpretation of variants in research participants for the purpose of population health screening. Participant phenotype was not available at the time of variant classification. Additional details can be found in publication PMID: 35346344, PMCID: PMC8962531

Color Diagnostics, LLC DBA Color Health
Classification: Likely benign for Cardiomyopathy. Last evaluated: 2019-07-09. Review status: criteria provided, single submitter. Criteria: ACMG Guidelines, 2015. Collection method: clinical testing. Allele origin: germline.

Ambry Genetics
Classification: Likely benign for Cardiovascular phenotype. Last evaluated: 2017-01-03. Review status: criteria provided, single submitter. Criteria: Ambry Variant Classification Scheme 2023. Collection method: clinical testing. Allele origin: germline.